The following is an entry in ClinVar:

NM_176869.3(PPA2):c.577G>T (p.Ala193Ser)

Gene: PPA2 (inorganic pyrophosphatase 2; minus strand). Cytogenetic location: 4q24.
Variant type: single nucleotide variant.
Coding change: c.577G>T on transcript NM_176869.3 (MANE Select); coding-DNA position 577, G replaced by T.
Protein change: p.Ala193Ser; replaces alanine 193 with serine.
Molecular consequence: missense variant. On other transcripts: intron variant (1).
Genome position (GRCh38, 1-based): chr4:105,424,274, C>A on the plus strand (G>T on the coding strand, the complement: PPA2 is on the minus strand). VCF-style: chr4-105424274-C-A. GRCh37 (hg19) VCF-style: chr4-106345431-C-A.
Other names: c.490G>T, p.Ala164Ser (NM_006903.4); c.271G>T, p.Ala91Ser (NM_176866.2); c.158-25110G>T (NM_176867.3); short protein forms A164S, A193S, A91S.
Identifiers: ClinVar variation 2052286 (VCV002052286.4), dbSNP rs2477134169, ClinGen allele CA357795369.
Genomic context (GRCh38, chr4:105,424,274, plus strand): 5'-CAGGATCATTCGCATTGATAGCAATTAATTTCCAATCTGTTTCACCTTCATCAATAAGAG[C>A]CAAAATTCCAAGGATCTTCACATGAATAACTTCTCCACAAGAAAGAATCTTTAAAGAAAA-3'
Protein context (NP_789845.1, residues 183-203): VIHVKILGIL[Ala193Ser]LIDEGETDWK

ClinVar aggregate classification (germline): Uncertain significance (1 of 4 stars; one submission).

Submission:

Labcorp Genetics (formerly Invitae), Labcorp
Classification: Uncertain significance. Last evaluated: 2022-10-17. Review status: criteria provided, single submitter. Criteria: Invitae Variant Classification Sherloc (09022015). Collection method: clinical testing. Allele origin: germline.
Comment: This variant has not been reported in the literature in individuals affected with PPA2-related conditions. In summary, the available evidence is currently insufficient to determine the role of this variant in disease. Therefore, it has been classified as a Variant of Uncertain Significance. Advanced modeling of protein sequence and biophysical properties (such as structural, functional, and spatial information, amino acid conservation, physicochemical variation, residue mobility, and thermodynamic stability) performed at Invitae indicates that this missense variant is not expected to disrupt PPA2 protein function. This variant is not present in population databases (gnomAD no frequency). This sequence change replaces alanine, which is neutral and non-polar, with serine, which is neutral and polar, at codon 193 of the PPA2 protein (p.Ala193Ser).